The following is an entry in ClinVar:

ClinVar aggregate classification (germline): Conflicting classifications of pathogenicity. Review status: criteria provided, conflicting classifications (1 of 4 stars). 2 submissions from 2 submitters: Likely pathogenic (1); Uncertain significance (1). Last evaluated 2021-11-24.

Conditions:
RYR2-related disorder. Also called: RYR2-related condition.
Catecholaminergic polymorphic ventricular tachycardia 1. Also called: VENTRICULAR TACHYCARDIA, CATECHOLAMINERGIC POLYMORPHIC, 1, WITH OR WITHOUT ATRIAL DYSFUNCTION AND/OR DILATED CARDIOMYOPATHY; VENTRICULAR TACHYCARDIA, STRESS-INDUCED POLYMORPHIC 1; RYR2-Related Catecholaminergic Polymorphic Ventricular Tachycardia. Identifiers: Orphanet 3286, MedGen C1631597, MONDO:0011484, OMIM 604772.

Submissions (2):

Labcorp Genetics (formerly Invitae), Labcorp
Classification: Uncertain significance for Catecholaminergic polymorphic ventricular tachycardia 1. Last evaluated: 2021-11-24. Review status: criteria provided, single submitter. Criteria: Invitae Variant Classification Sherloc (09022015). Collection method: clinical testing. Allele origin: germline.
Comment: In summary, the available evidence is currently insufficient to determine the role of this variant in disease. Therefore, it has been classified as a Variant of Uncertain Significance. Advanced modeling of protein sequence and biophysical properties (such as structural, functional, and spatial information, amino acid conservation, physicochemical variation, residue mobility, and thermodynamic stability) performed at Invitae indicates that this missense variant is expected to disrupt RYR2 protein function. This variant has not been reported in the literature in individuals affected with RYR2-related conditions. This variant is not present in population databases (gnomAD no frequency). This sequence change replaces aspartic acid, which is acidic and polar, with glycine, which is neutral and non-polar, at codon 358 of the RYR2 protein (p.Asp358Gly).

Blueprint Genetics
Classification: Likely pathogenic for RYR2-related disorders. Last evaluated: 2021-05-07. Review status: criteria provided, single submitter. Criteria: ACMG Guidelines, 2015. Collection method: clinical testing. Allele origin: germline. Affected: yes. Observed: 2 variant alleles.

NM_001035.3(RYR2):c.1073A>G (p.Asp358Gly)

Gene: RYR2 (ryanodine receptor 2; plus strand). Cytogenetic location: 1q43.
Variant type: single nucleotide variant.
Coding change: c.1073A>G on transcript NM_001035.3 (MANE Select); coding-DNA position 1073, A replaced by G.
Protein change: p.Asp358Gly; replaces aspartic acid 358 with glycine.
Molecular consequence: missense variant.
Genome position (GRCh38, 1-based): chr1:237,441,386, A>G. VCF-style: chr1-237441386-A-G. GRCh37 (hg19) VCF-style: chr1-237604686-A-G.
Other names: short protein forms D358G.
Identifiers: ClinVar variation 1505509 (VCV001505509.8), dbSNP rs2150146849, ClinGen allele CA345376175.